The following is an entry in ClinVar:

ClinVar aggregate classification (germline): Benign. Review status: reviewed by expert panel (3 of 4 stars). 23 submissions from 23 submitters: Benign (1). 22 of the submissions do not count toward it. Last evaluated 2015-08-10.

Conditions:
Hereditary cancer-predisposing syndrome. Also called: Tumor predisposition; Neoplastic Syndromes, Hereditary; Hereditary Cancer Syndrome; Hereditary neoplastic syndrome. Identifiers: Orphanet 140162, MedGen C0027672, MeSH D009386, MONDO:0015356.
Breast and/or ovarian cancer. Identifiers: MedGen CN221562.
Familial cancer of breast. Also called: Hereditary breast cancer; hereditary breast carcinoma; BREAST CANCER, FAMILIAL. Identifiers: Orphanet 227535, MedGen C0346153, MONDO:0016419, OMIM 114480. Disease mechanism: loss of function.
Breast-ovarian cancer, familial, susceptibility to, 1 (BROVCA1). Also called: OVARIAN CANCER, SUSCEPTIBILITY TO; BRCA1 Hereditary Breast and Ovarian Cancer. Identifiers: Orphanet 145, MedGen C2676676, MONDO:0011450, OMIM 604370. Disease mechanism: loss of function.
Pancreatic cancer, susceptibility to, 4. Identifiers: Orphanet 1333, MedGen C3280442, MONDO:0013685, OMIM 614320.
Fanconi anemia, complementation group S (FANCS). Identifiers: MedGen C4554406, MONDO:0054748, OMIM 617883.
Hereditary breast ovarian cancer syndrome. Also called: Hereditary breast and ovarian cancer syndrome (HBOC); Hereditary breast and ovarian cancer syndrome; Hereditary breast and ovarian cancer; Hereditary breast and/or ovarian cancer syndrome; Breast and ovarian cancer; BRCA1- and BRCA2-Associated Hereditary Breast and Ovarian Cancer. Identifiers: Orphanet 145, MedGen C0677776, MeSH D061325, MONDO:0003582. Disease mechanism: loss of function.
Malignant tumor of breast. Also called: Malignant breast neoplasm; Cancer breast. Identifiers: MedGen C0006142, MONDO:0007254. Disease mechanism: loss of function.

Allele frequency attached by ClinVar (database versions not stated): TOPMed 0.00004; gnomAD 0.00005 and 0.00006; gnomAD exomes 0.00007 and 0.00009; ExAC 0.00008; ESP Exome Variant Server 0.00015; 1000 Genomes Project 30x 0.00016; 1000 Genomes Project 0.00020.
gnomAD v4.1: 132 of 1,596,780 alleles (0.0083%); highest among the groups gnomAD compares: Non-Finnish European, 0.011%; no homozygotes.

Submissions 1 to 13 of 24:

Evidence-based Network for the Interpretation of Germline Mutant Alleles (ENIGMA)
Classification: Benign for Breast-ovarian cancer, familial 1. Last evaluated: 2015-08-10. Review status: reviewed by expert panel. Criteria: ENIGMA BRCA1/2 Classification Criteria (2015). Collection method: curation. Allele origin: germline.
Comment: IARC class based on posterior probability from multifactorial likelihood analysis, thresholds for class as per Plon et al. 2008 (PMID: 18951446). Class 1 based on posterior probability = 0.0000029

Labcorp Genetics (formerly Invitae), Labcorp
Classification: Benign for Hereditary breast ovarian cancer syndrome. Last evaluated: 2026-01-17. Review status: criteria provided, single submitter. Criteria: Invitae Variant Classification Sherloc (09022015). Collection method: clinical testing. Allele origin: germline. Not counted in ClinVar's aggregate classification.

Sema4
Classification: Likely benign for Hereditary cancer-predisposing syndrome. Last evaluated: 2021-08-26. Review status: criteria provided, single submitter. Criteria: Sema4 Curation Guidelines. Collection method: curation. Allele origin: germline. Not counted in ClinVar's aggregate classification.

Fulgent Genetics
Classification: Likely benign for Familial cancer of breast; Breast-ovarian cancer, familial, susceptibility to, 1; Pancreatic cancer, susceptibility to, 4; Fanconi anemia, complementation group S. Last evaluated: 2021-08-04. Review status: criteria provided, single submitter. Criteria: ACMG Guidelines, 2015. Collection method: clinical testing. Allele origin: unknown. Not counted in ClinVar's aggregate classification.

Illumina Laboratory Services, Illumina
Classification: Likely benign for Breast-ovarian cancer, familial, susceptibility to, 1. Last evaluated: 2018-04-24. Review status: criteria provided, single submitter. Criteria: ICSL Variant Classification Criteria 13 December 2019. Collection method: clinical testing. Allele origin: germline. Not counted in ClinVar's aggregate classification.
Comment: This variant was observed as part of a predisposition screen in an ostensibly healthy population. A literature search was performed for the gene, cDNA change, and amino acid change (where applicable). Publications were found based on this search. The evidence from the literature, in combination with allele frequency data from public databases where available, was sufficient to determine this variant is unlikely to cause disease. Therefore, this variant is classified as likely benign.

GeneDx
Classification: Likely benign. Last evaluated: 2017-08-28. Review status: criteria provided, single submitter. Criteria: GeneDx Variant Classification (06012015). Collection method: clinical testing. Allele origin: germline. Affected: yes. Not counted in ClinVar's aggregate classification.
Comment: This variant is considered likely benign or benign based on one or more of the following criteria: it is a conservative change, it occurs at a poorly conserved position in the protein, it is predicted to be benign by multiple in silico algorithms, and/or has population frequency not consistent with disease.

ARUP Laboratories, Molecular Genetics and Genomics, ARUP Laboratories
Classification: Likely benign. Last evaluated: 2017-08-24. Review status: criteria provided, single submitter. Criteria: ARUP Molecular Germline Variant Investigation Process. Collection method: clinical testing. Allele origin: germline. Not counted in ClinVar's aggregate classification.

Women's Health and Genetics/Laboratory Corporation of America, LabCorp
Classification: Benign. Last evaluated: 2017-07-03. Review status: criteria provided, single submitter. Criteria: LabCorp Variant Classification Summary - May 2015. Collection method: clinical testing. Allele origin: germline. Not counted in ClinVar's aggregate classification.
Comment: Variant summary: This missense variant involves the alteration of a non-conserved nucleotide and 3/5 in silico tools predict a pathogenic outcome. The variant is present at a low frequency in the control population (0.0076% in ExAC, 0.012% in European (Non-Finnish)), and has been reported in the literature in HBOC patients and families. Most of these publications, however, fail to provide co-segregation and co-occurrence data, and do not test for large deletions/insertions, and therefore do not provide strong evidence for the causality of this variant. In addition, one report, although a poster presentation, is provided by individuals from a reputable laboratory, Myriad, indicating the variant was found to co-occur with 9 pathogenic variants (gene and variants not specified) and was classified as benign. UMD lists variant in 15 individuals with classification of "1-Neutral". One of them carried a pathogenic BRCA2 variant c.1773_1776delTTAT (p.Ile591MetfsX22). Furthermore, several functional studies have been published and showed that the c.199G>T variant had a moderate effect on centrosome duplication (Kais_2012, Towler_2013), chromosomal instability, (Cochran_2015), and resulted in a moderate reduction in E3 ligase activity, but that the mutant protein had similar binding of BRCA1 to BARD1 (Caleca_2014, Ransburgh_2010, Morris_2006, Starita_2015) and wild-type levels of E2 interaction (Morris_2006). There was no difference in homologous recombination (Kais_2012, Ransburgh_2010), double strand break repair by the single-strand annealing pathway (Towler_2013), yeast colony size, spot formation, and yeast localization (Thouvenot_2016) between mutant BRCA1 with this variant and wild-type BRCA1. This variant also had no effect on splicing via patient cDNA and minigene splicing assay (Houdayer_2012, Thery_2011). Additionally, multifactorial probability based models showed a low odds in favor of causality (Lindor_2012, Easton_2007). In addition, multiple reputable databases, UMD, ARUP, and clincial labs classify the variant as "benign/likely benign, at-least 2 of whom have submitted/updated their submissions to ClinVar since the time of the previous classification of this variant in our laboratory." Therefore, taking all evidence into consideration, the variant of interest is classified as benign.

Department of Pathology and Molecular Medicine, Queen's University
Classification: Benign. Last evaluated: 2017-04-20. Review status: criteria provided, single submitter. Criteria: ACMG Guidelines, 2015. Collection method: clinical testing. Allele origin: germline. Study: The Canadian Open Genetics Repository (COGR). Not counted in ClinVar's aggregate classification.

Cancer Genetics and Genomics Laboratory, British Columbia Cancer Agency
Classification: Likely benign. Last evaluated: 2017-04-18. Review status: criteria provided, single submitter. Criteria: ACMG Guidelines, 2015. Collection method: clinical testing. Allele origin: germline. Study: The Canadian Open Genetics Repository (COGR). Not counted in ClinVar's aggregate classification.

Color Diagnostics, LLC DBA Color Health
Classification: Likely benign for Hereditary cancer-predisposing syndrome. Last evaluated: 2016-07-28. Review status: criteria provided, single submitter. Criteria: ACMG Guidelines, 2015. Collection method: clinical testing. Allele origin: germline. Not counted in ClinVar's aggregate classification.

CHEO Genetics Diagnostic Laboratory, Children's Hospital of Eastern Ontario
Classification: Uncertain significance for Hereditary breast ovarian cancer syndrome. Last evaluated: 2015-08-27. Review status: criteria provided, single submitter. Criteria: ACMG Guidelines, 2015. Collection method: clinical testing. Allele origin: germline. Not counted in ClinVar's aggregate classification.

Ambry Genetics
Classification: Benign for Hereditary cancer-predisposing syndrome. Last evaluated: 2014-11-18. Review status: criteria provided, single submitter. Criteria: Ambry Variant Classification Scheme 2023. Collection method: clinical testing. Allele origin: germline. Not counted in ClinVar's aggregate classification.

NM_007294.4(BRCA1):c.199G>T (p.Asp67Tyr)

Gene: BRCA1 (BRCA1 DNA repair associated; minus strand). Cytogenetic location: 17q21.31.
Variant type: single nucleotide variant.
Coding change: c.199G>T on transcript NM_007294.4 (MANE Select); coding-DNA position 199, G replaced by T.
Protein change: p.Asp67Tyr; replaces aspartic acid 67 with tyrosine.
Molecular consequence: missense variant.
Genome position (GRCh38, 1-based): chr17:43,106,469, C>A on the plus strand (G>T on the coding strand, the complement: BRCA1 is on the minus strand). VCF-style: chr17-43106469-C-A. GRCh37 (hg19) VCF-style: chr17-41258486-C-A.
Other names: p.D67Y:GAT>TAT; 318G>T; c.58G>T, p.Asp20Tyr (NM_001408466.1, NM_001408467.1, NM_001408468.1 and 99 more transcripts); c.199G>T, p.Asp67Tyr (NM_001408472.1, NM_001408473.1, NM_001408494.1 and 168 more transcripts); short protein forms D67Y, D20Y.
Identifiers: ClinVar variation 54431 (VCV000054431.39), dbSNP rs80357102, ClinGen allele CA001328.
Genomic context (GRCh38, chr17:43,106,469, plus strand): 5'-TCCTACTGTGGTTGCTTCCAACCTAGCATCATTACCAAATTATATACCTTTTGGTTATAT[C>A]ATTCTTACATAAAGGACACTGTGAAGGCCCTTTCTTCTGGTTGAGAAGTTTCAGCATGCA-3'
Protein context (NP_009225.1, residues 57-77): GPSQCPLCKN[Asp67Tyr]ITKRSLQEST